The following is an entry in ClinVar:

NM_212482.4(FN1):c.5099T>C (p.Val1700Ala)

Gene: FN1 (fibronectin 1; minus strand). Cytogenetic location: 2q35.
Variant type: single nucleotide variant.
Coding change: c.5099T>C on transcript NM_212482.4 (MANE Select); coding-DNA position 5099, T replaced by C.
Protein change: p.Val1700Ala; replaces valine 1700 with alanine.
Molecular consequence: missense variant.
Genome position (GRCh38, 1-based): chr2:215,382,277, A>G on the plus strand (T>C on the coding strand, the complement: FN1 is on the minus strand). VCF-style: chr2-215382277-A-G. GRCh37 (hg19) VCF-style: chr2-216247000-A-G.
Other names: c.5099T>C, p.Val1700Ala (NM_001306129.2, NM_001306130.2, NM_001365517.2 and 3 more transcripts); c.4826T>C, p.Val1609Ala (NM_001306131.2, NM_001306132.2, NM_001365518.2 and 7 more transcripts); short protein forms V1700A, V1609A.
Identifiers: ClinVar variation 2728324 (VCV002728324.3), dbSNP rs2469551220, ClinGen allele CA350476393.

ClinVar aggregate classification (germline): Uncertain significance (1 of 4 stars; one submission).

Allele frequency attached by ClinVar (database versions not stated): gnomAD exomes below 0.00001.
gnomAD v4.1: 3 of 1,613,998 alleles (0.00019%); highest among the groups gnomAD compares: Non-Finnish European, 0.00025%; no homozygotes.

Submission:

Labcorp Genetics (formerly Invitae), Labcorp
Classification: Uncertain significance. Last evaluated: 2023-05-26. Review status: criteria provided, single submitter. Criteria: Invitae Variant Classification Sherloc (09022015). Collection method: clinical testing. Allele origin: germline.
Comment: In summary, the available evidence is currently insufficient to determine the role of this variant in disease. Therefore, it has been classified as a Variant of Uncertain Significance. An algorithm developed to predict the effect of missense changes on protein structure and function (PolyPhen-2) suggests that this variant is likely to be tolerated. This variant has not been reported in the literature in individuals affected with FN1-related conditions. This variant is not present in population databases (gnomAD no frequency). This sequence change replaces valine, which is neutral and non-polar, with alanine, which is neutral and non-polar, at codon 1700 of the FN1 protein (p.Val1700Ala).